The following is an entry in ClinVar:

NM_000170.3(GLDC):c.807G>A (p.Thr269=)

Gene: GLDC (glycine decarboxylase; minus strand). Cytogenetic location: 9p24.1.
Variant type: single nucleotide variant.
Coding change: c.807G>A on transcript NM_000170.3 (MANE Select); coding-DNA position 807, G replaced by A.
Protein change: p.Thr269=; no amino-acid change (threonine 269 retained).
Molecular consequence: synonymous variant.
Genome position (GRCh38, 1-based): chr9:6,605,185, C>T on the plus strand (G>A on the coding strand, the complement: GLDC is on the minus strand). VCF-style: chr9-6605185-C-T. GRCh37 (hg19) VCF-style: chr9-6605185-C-T.
Identifiers: ClinVar variation 1126545 (VCV001126545.27), dbSNP rs374776450, ClinGen allele CA4980981.

ClinVar aggregate classification (germline): Likely benign. Review status: criteria provided, multiple submitters, no conflicts (2 of 4 stars). 2 submissions from 2 submitters: Likely benign (2). Last evaluated 2026-01-18.

Conditions:
Glycine encephalopathy. Also called: Non-ketotic hyperglycinemia; Nonketotic hyperglycinemia. Identifiers: Orphanet 407, MedGen C0751748, MONDO:0011612, HP:0008288.

Allele frequency attached by ClinVar (database versions not stated): ExAC 0.00002; gnomAD 0.00002; gnomAD exomes 0.00002 and 0.00003; TOPMed 0.00002; ESP Exome Variant Server 0.00008.
gnomAD v4.1: 47 of 1,613,518 alleles (0.0029%); highest among the groups gnomAD compares: East Asian, 0.0045%; no homozygotes.

Submissions (2):

Labcorp Genetics (formerly Invitae), Labcorp
Classification: Likely benign for Glycine encephalopathy. Last evaluated: 2026-01-18. Review status: criteria provided, single submitter. Criteria: Invitae Variant Classification Sherloc (09022015). Collection method: clinical testing. Allele origin: germline.

CeGaT Center for Human Genetics Tuebingen
Classification: Likely benign. Last evaluated: 2024-07-01. Review status: criteria provided, single submitter. Criteria: CeGaT Center For Human Genetics Tuebingen Variant Classification Criteria Version 2. Collection method: clinical testing. Allele origin: germline. Affected: yes. Observed: 1 variant allele.
Comment: GLDC: BP4, BP7